The following is an entry in ClinVar:

ClinVar aggregate classification (germline): Uncertain significance (1 of 4 stars; one submission).

Submission:

GeneDx
Classification: Uncertain significance. Last evaluated: 2023-05-15. Review status: criteria provided, single submitter. Criteria: GeneDx Variant Classification Process June 2021. Collection method: clinical testing. Allele origin: germline. Affected: yes.
Comment: Has not been previously published as pathogenic or benign to our knowledge; In silico analysis supports that this missense variant does not alter protein structure/function; In silico analysis is inconclusive as to whether the variant alters gene splicing. In the absence of RNA/functional studies, the actual effect of this sequence change is unknown.; Not observed at significant frequency in large population cohorts (gnomAD)

NM_002637.4(PHKA1):c.2230G>A (p.Val744Ile)

Gene: PHKA1 (phosphorylase kinase regulatory subunit alpha 1; minus strand). Cytogenetic location: Xq13.1.
Variant type: single nucleotide variant.
Coding change: c.2230G>A on transcript NM_002637.4 (MANE Select); coding-DNA position 2230, G replaced by A.
Protein change: p.Val744Ile; replaces valine 744 with isoleucine.
Molecular consequence: missense variant.
Genome position (GRCh38, 1-based): chrX:72,618,849, C>T on the plus strand (G>A on the coding strand, the complement: PHKA1 is on the minus strand). VCF-style: chrX-72618849-C-T. GRCh37 (hg19) VCF-style: chrX-71838699-C-T.
Other names: c.2230G>A, p.Val744Ile (NM_001122670.2); c.2053G>A, p.Val685Ile (NM_001172436.2); short protein forms V685I, V744I.
Identifiers: ClinVar variation 2503248 (VCV002503248.1), dbSNP rs1556272963, ClinGen allele CA413590651.